The following is an entry in ClinVar:

ClinVar aggregate classification (germline): Uncertain significance (1 of 4 stars; one submission).

Conditions:
Joubert syndrome. Also called: CEREBELLOPARENCHYMAL DISORDER IV; JOUBERT-BOLTSHAUSER SYNDROME; Familial aplasia of the vermis. Identifiers: Orphanet 475, MedGen C5979921, MONDO:0018772.

Submission:

Labcorp Genetics (formerly Invitae), Labcorp
Classification: Uncertain significance for Joubert syndrome. Last evaluated: 2024-11-11. Review status: criteria provided, single submitter. Criteria: Invitae Variant Classification Sherloc (09022015). Collection method: clinical testing. Allele origin: germline.
Comment: This sequence change replaces cysteine, which is neutral and slightly polar, with serine, which is neutral and polar, at codon 993 of the AHI1 protein (p.Cys993Ser). This variant is not present in population databases (gnomAD no frequency). This variant has not been reported in the literature in individuals affected with AHI1-related conditions. ClinVar contains an entry for this variant (Variation ID: 1956740). Invitae Evidence Modeling of protein sequence and biophysical properties (such as structural, functional, and spatial information, amino acid conservation, physicochemical variation, residue mobility, and thermodynamic stability) indicates that this missense variant is not expected to disrupt AHI1 protein function with a negative predictive value of 95%. In summary, the available evidence is currently insufficient to determine the role of this variant in disease. Therefore, it has been classified as a Variant of Uncertain Significance.

NM_001134831.2(AHI1):c.2978G>C (p.Cys993Ser)

Gene: AHI1 (Abelson helper integration site 1; minus strand). Cytogenetic location: 6q23.3.
Variant type: single nucleotide variant.
Coding change: c.2978G>C on transcript NM_001134831.2 (MANE Select); coding-DNA position 2978, G replaced by C.
Protein change: p.Cys993Ser; replaces cysteine 993 with serine.
Molecular consequence: missense variant.
Genome position (GRCh38, 1-based): chr6:135,404,961, C>G on the plus strand (G>C on the coding strand, the complement: AHI1 is on the minus strand). VCF-style: chr6-135404961-C-G. GRCh37 (hg19) VCF-style: chr6-135726099-C-G.
Other names: c.2978G>C, p.Cys993Ser (NM_001134830.2, NM_001134832.2, NM_001350503.2 and 2 more transcripts); short protein forms C993S.
Identifiers: ClinVar variation 1956740 (VCV001956740.5), dbSNP rs1305298780, ClinGen allele CA365844867.